The following is an entry in ClinVar:

ClinVar aggregate classification (germline): Uncertain significance (1 of 4 stars; one submission).

Conditions:
Christianson syndrome (MRXSCH). Also called: X-linked mental retardation, syndromic, Christianson type; SLC9A6-Related Syndromic Mental Retardation; INTELLECTUAL DEVELOPMENTAL DISORDER, X-LINKED, SYNDROMIC, CHRISTIANSON TYPE. Identifiers: Orphanet 85278, MedGen C2678194, MONDO:0010278, OMIM 300243.

Submission:

Labcorp Genetics (formerly Invitae), Labcorp
Classification: Uncertain significance for Christianson syndrome. Last evaluated: 2024-02-09. Review status: criteria provided, single submitter. Criteria: Invitae Variant Classification Sherloc (09022015). Collection method: clinical testing. Allele origin: germline.
Comment: This sequence change replaces glutamine, which is neutral and polar, with histidine, which is basic and polar, at codon 210 of the SLC9A6 protein (p.Gln210His). This variant is not present in population databases (gnomAD no frequency). This variant has not been reported in the literature in individuals affected with SLC9A6-related conditions. Advanced modeling of protein sequence and biophysical properties (such as structural, functional, and spatial information, amino acid conservation, physicochemical variation, residue mobility, and thermodynamic stability) performed at Invitae indicates that this missense variant is not expected to disrupt SLC9A6 protein function with a negative predictive value of 80%. In summary, the available evidence is currently insufficient to determine the role of this variant in disease. Therefore, it has been classified as a Variant of Uncertain Significance.

NM_001379110.1(SLC9A6):c.570A>C (p.Gln190His)

Gene: SLC9A6 (solute carrier family 9 member A6; plus strand). Cytogenetic location: Xq26.3.
Variant type: single nucleotide variant.
Coding change: c.570A>C on transcript NM_001379110.1 (MANE Select); coding-DNA position 570, A replaced by C.
Protein change: p.Gln190His; replaces glutamine 190 with histidine.
Molecular consequence: missense variant.
Genome position (GRCh38, 1-based): chrX:135,998,901, A>C. VCF-style: chrX-135998901-A-C. GRCh37 (hg19) VCF-style: chrX-135081060-A-C.
Other names: c.726A>C, p.Gln242His (NM_001042537.2); c.570A>C, p.Gln190His (NM_001177651.2, NM_001400909.1, NM_001400910.1 and 2 more transcripts); c.474A>C, p.Gln158His (NM_001330652.2, NM_001400913.1); c.630A>C, p.Gln210His (NM_006359.3); short protein forms Q158H, Q190H, Q210H, Q242H.
Identifiers: ClinVar variation 3639982 (VCV003639982.2).